The following is an entry in ClinVar:

NM_005356.5(LCK):c.632A>T (p.Asn211Ile)

Gene: LCK (LCK proto-oncogene, Src family tyrosine kinase; plus strand). Cytogenetic location: 1p35.2.
Variant type: single nucleotide variant.
Coding change: c.632A>T on transcript NM_005356.5 (MANE Select); coding-DNA position 632, A replaced by T.
Protein change: p.Asn211Ile; replaces asparagine 211 with isoleucine.
Molecular consequence: missense variant. On other transcripts: intron variant (1).
Genome position (GRCh38, 1-based): chr1:32,276,337, A>T. VCF-style: chr1-32276337-A-T. GRCh37 (hg19) VCF-style: chr1-32741938-A-T.
Other names: c.632A>T, p.Asn211Ile (NM_001042771.3); c.632-270A>T (NM_001330468.2); short protein forms N211I.
Identifiers: ClinVar variation 569369 (VCV000569369.8), dbSNP rs766580359, ClinGen allele CA741177.

ClinVar aggregate classification (germline): Uncertain significance (1 of 4 stars; one submission).

Conditions:
Severe combined immunodeficiency due to LCK deficiency. Also called: Immunodeficiency 22. Identifiers: Orphanet 280142, MedGen C4014233, MONDO:0014334, OMIM 615758.

Allele frequency attached by ClinVar (database versions not stated): ExAC 0.00001; gnomAD exomes 0.00002; TOPMed 0.00002; gnomAD 0.00003 and 0.00004.
gnomAD v4.1: 13 of 1,575,676 alleles (0.00083%); highest among the groups gnomAD compares: Admixed American, 0.017%; no homozygotes.

Submission:

Labcorp Genetics (formerly Invitae), Labcorp
Classification: Uncertain significance for Severe combined immunodeficiency due to LCK deficiency. Last evaluated: 2021-08-20. Review status: criteria provided, single submitter. Criteria: Invitae Variant Classification Sherloc (09022015). Collection method: clinical testing. Allele origin: germline.
Comment: This sequence change replaces asparagine with isoleucine at codon 211 of the LCK protein (p.Asn211Ile). The asparagine residue is moderately conserved and there is a large physicochemical difference between asparagine and isoleucine. This variant is present in population databases (rs766580359, ExAC 0.009%). This variant has not been reported in the literature in individuals affected with LCK-related conditions. Algorithms developed to predict the effect of missense changes on protein structure and function (SIFT, PolyPhen-2, Align-GVGD) all suggest that this variant is likely to be tolerated. Algorithms developed to predict the effect of sequence changes on RNA splicing suggest that this variant may disrupt the consensus splice site. In summary, the available evidence is currently insufficient to determine the role of this variant in disease. Therefore, it has been classified as a Variant of Uncertain Significance.